The following is an entry in ClinVar:

ClinVar aggregate classification (germline): Likely pathogenic (0 of 4 stars; one submission).

Conditions:
COL1A1-related disorder. Also called: COL1A1- related disease; COL1A1-related condition.

Submission:

PreventionGenetics, part of Exact Sciences
Classification: Likely pathogenic for COL1A1-related condition. Last evaluated: 2023-11-01. Review status: no assertion criteria provided. Collection method: clinical testing. Allele origin: germline.
Comment: The COL1A1 c.3553_3555delinsACTCCTGGTCCC variant is predicted to result in an in-frame deletion and insertion. To our knowledge, this variant has not been reported in the literature or in a large population database, indicating this variant is rare. This variant is located in the conserved Gly-Xaa-Yaa triple helical domain where substitutions of a glycine are usually pathogenic (Residues 179-1192; Legacy nomenclature in Marini et al. 2007. PubMed ID: 17078022 indicates amino acids 1-1012; Symoens. 2014. PubMed ID: 25146735). Other duplications near this location within the triple helical domain have been reported in patients with osteogenesis imperfecta (Pace. 2001. PubMed ID: 11668615). This variant is interpreted as likely pathogenic.

NM_000088.4(COL1A1):c.3553_3555delinsACTCCTGGTCCC (p.Gly1184_Pro1185insThrProGly)

Gene: COL1A1 (collagen type I alpha 1 chain; minus strand). Cytogenetic location: 17q21.33.
Variant type: Indel.
Coding change: c.3553_3555delinsACTCCTGGTCCC on transcript NM_000088.4 (MANE Select); coding-DNA positions 3553 to 3555, CCT replaced by ACTCCTGGTCCC.
Protein change: p.Gly1184_Pro1185insThrProGly.
Molecular consequence: inframe indel (on NM_000088.3).
Genome position (GRCh38, 1-based): chr17:50,186,899-50,186,901, AGG replaced by GGGACCAGGAGT on the plus strand (CCT replaced by ACTCCTGGTCCC on the coding strand, the reverse complement: COL1A1 is on the minus strand). VCF-style: chr17-50186899-AGG-GGGACCAGGAGT. GRCh37 (hg19) VCF-style: chr17-48264260-AGG-GGGACCAGGAGT.
Other names: c.3553_3555delCCTinsACTCCTGGTCCC, p.Gly1184_Pro1185insThrProGly (NM_000088.3).
Identifiers: ClinVar variation 3061542 (VCV003061542.2), dbSNP rs2509165452, ClinGen allele CA2740093778.